The following is an entry in ClinVar:

NM_207346.3(TSEN54):c.1496C>T (p.Pro499Leu)

Gene: TSEN54 (tRNA splicing endonuclease subunit 54; plus strand). Cytogenetic location: 17q25.1.
Variant type: single nucleotide variant.
Coding change: c.1496C>T on transcript NM_207346.3 (MANE Select); coding-DNA position 1496, C replaced by T.
Protein change: p.Pro499Leu; replaces proline 499 with leucine.
Molecular consequence: missense variant.
Genome position (GRCh38, 1-based): chr17:75,524,327, C>T. VCF-style: chr17-75524327-C-T. GRCh37 (hg19) VCF-style: chr17-73520408-C-T.
Other names: short protein forms P499L.
Identifiers: ClinVar variation 3895703 (VCV003895703.1).

ClinVar aggregate classification (germline): Uncertain significance (1 of 4 stars; one submission).

gnomAD v4.1: 12 of 1,614,216 alleles (0.00074%); highest among the groups gnomAD compares: Middle Eastern, 0.049%; no homozygotes.

Submission:

Women's Health and Genetics/Laboratory Corporation of America, LabCorp
Classification: Uncertain significance. Last evaluated: 2025-03-12. Review status: criteria provided, single submitter. Criteria: LabCorp Variant Classification Summary - May 2015. Collection method: clinical testing. Allele origin: germline.
Comment: Variant summary: TSEN54 c.1496C>T (p.Pro499Leu) results in a non-conservative amino acid change in the encoded protein sequence. Five of five in-silico tools predict a damaging effect of the variant on protein function. The variant was absent in 251480 control chromosomes. c.1496C>T has been reported in the literature in individuals affected with Pontocerebellar Hypoplasia (Arslan_2020). These data indicate that the variant may be associated with disease. To our knowledge, no experimental evidence demonstrating an impact on protein function has been reported. The following publication have been ascertained in the context of this evaluation (PMID: 31493945). No submitters have cited clinical-significance assessments for this variant to ClinVar. Based on the evidence outlined above, the variant was classified as VUS-possibly pathogenic.

Literature cited by the submitters: PubMed 31493945.